The following is an entry in ClinVar:

ClinVar aggregate classification (germline): Pathogenic. Review status: criteria provided, multiple submitters, no conflicts (2 of 4 stars). 6 submissions from 6 submitters: Pathogenic (6). Last evaluated 2026-01-17.

Conditions:
CHM-related disorders.
Retinal dystrophy. Also called: Inherited retinal dystrophy. Identifiers: Orphanet 71862, MedGen C0854723, MeSH D058499, MONDO:0019118, HP:0000556.
Choroideremia. Also called: Chorioretinal scalloped atrophy. Identifiers: Orphanet 180, MedGen C0008525, MONDO:0010557, OMIM 303100, HP:0001139.

Submissions (6):

Labcorp Genetics (formerly Invitae), Labcorp
Classification: Pathogenic. Last evaluated: 2026-01-17. Review status: criteria provided, single submitter. Criteria: Invitae Variant Classification Sherloc (09022015). Collection method: clinical testing. Allele origin: germline.
Comment: This sequence change creates a premature translational stop signal (p.Ser105Argfs*20) in the CHM gene. It is expected to result in an absent or disrupted protein product. Loss-of-function variants in CHM are known to be pathogenic (PMID: 9067750, 23811034). This variant is not present in population databases (gnomAD no frequency). This premature translational stop signal has been observed in individual(s) with choroideremia (PMID: 10447648, 21905166, 28752371). It has also been observed to segregate with disease in related individuals. This variant is also known as c.345_348delTCAG. ClinVar contains an entry for this variant (Variation ID: 279772). Algorithms developed to predict the effect of sequence changes on RNA splicing suggest that this variant may disrupt the consensus splice site. For these reasons, this variant has been classified as Pathogenic.

Dasa
Classification: Pathogenic for Choroideremia. Last evaluated: 2025-12-08. Review status: criteria provided, single submitter. Criteria: DASA Assertion Criteria. Collection method: clinical testing. Allele origin: germline.
Comment: NM_000390.4(CHM):c.315_318del (p.Ser105Argfs*20) is a frameshift variant in CHM predicted to alter the reading frame and introduce a premature termination codon and is predicted to result in an absent or altered protein product. Loss of function is an established disease mechanism for CHM (PMID: 33538369; PMID: 27070432). This variant has been reported in individuals with CHM-related disorders (PMID: 28752371). Also, this variant is absent from population databases. Based on the currently available evidence, this variant is classified as pathogenic.

Blueprint Genetics
Classification: Pathogenic for CHM-related disorders. Last evaluated: 2024-02-12. Review status: criteria provided, single submitter. Criteria: ACMG Guidelines, 2015. Collection method: clinical testing. Allele origin: germline. Affected: yes. Observed: 4 variant alleles.

Institute of Human Genetics, Univ. Regensburg, Univ. Regensburg
Classification: Pathogenic for Retinal dystrophy. Last evaluated: 2022-01-01. Review status: criteria provided, single submitter. Criteria: ACMG Guidelines, 2015. Collection method: clinical testing. Allele origin: germline. Affected: yes.

CeGaT Center for Human Genetics Tuebingen
Classification: Pathogenic. Last evaluated: 2019-05-01. Review status: criteria provided, single submitter. Criteria: CeGaT Center For Human Genetics Tuebingen Variant Classification Criteria Version 2. Collection method: clinical testing. Allele origin: germline. Affected: yes. Observed: 1 variant allele.

GeneDx
Classification: Pathogenic. Last evaluated: 2016-12-13. Review status: criteria provided, single submitter. Criteria: GeneDx Variant Classification (06012015). Collection method: clinical testing. Allele origin: germline. Affected: yes.
Comment: The c.315_318delTCAG pathogenic variant in the CHM gene has been reported previously in association with choroideremia (McTaggart et al., 2002; Esposito et al., 2011; Fujiki et al., 1999). McTaggart et al., reported this variant as 345de1TCAG. Fujiki et al., reports this variant as 345_348delTCAG. The deletion causes a frameshift starting with codon Serine 105, changes this amino acid to an Arginine residue and creates a premature Stop codon at position 20 of the new reading frame, denoted p.Ser105ArgfsX20. This variant is predicted to cause loss of normal protein function either through protein truncation or nonsense-mediated mRNA decay. c.315_318delTCAG was not observed in approximately 6,500 individuals of European and African American ancestry in the NHLBI Exome Sequencing Project, indicating it is not a common benign variant in these populations. Therefore, we interpret the c.315_318delTCAG variant as pathogenic.

Literature cited by the submitters: PubMed 9067750 (cited by Labcorp Genetics (formerly Invitae), Labcorp); PubMed 23811034 (cited by Labcorp Genetics (formerly Invitae), Labcorp); PubMed 10447648 (cited by 3 submitters); PubMed 21905166 (cited by Labcorp Genetics (formerly Invitae), Labcorp and Dasa); PubMed 28752371 (cited by 3 submitters); PubMed 33538369 (cited by Dasa); PubMed 27070432 (cited by Dasa); PubMed 31416074 (cited by Institute of Human Genetics, Univ. Regensburg, Univ. Regensburg); PubMed 31922496 (cited by Institute of Human Genetics, Univ. Regensburg, Univ. Regensburg); PubMed 32985515 (cited by Institute of Human Genetics, Univ. Regensburg, Univ. Regensburg); PubMed 36460718 (cited by Institute of Human Genetics, Univ. Regensburg, Univ. Regensburg).

NM_000390.4(CHM):c.315_318del (p.Ser105Argfs)

Genes: CHM (CHM Rab escort protein; minus strand), LOC129391306 (MPRA-validated peak7401 silencer; plus strand). Cytogenetic location: Xq21.2.
Variant type: Deletion.
Coding change: c.315_318del on transcript NM_000390.4 (MANE Select); coding-DNA positions 315 to 318, 4 bases deleted (TCAG; older notation c.315_318delTCAG).
Protein change: p.Ser105Argfs; shifts the reading frame from serine 105.
Molecular consequence: splice acceptor variant.
Genome position (GRCh38, 1-based): chrX:85,964,049-85,964,052, CTGA deleted on the plus strand (TCAG on the coding strand, the reverse complement: CHM is on the minus strand); deleting any 4 consecutive bases within chrX:85,964,049-85,964,054 gives the same sequence; the c. name uses the placement nearest the transcript's 3' end. VCF-style (leftmost placement, unchanged base first): chrX-85964048-CCTGA-C. GRCh37 (hg19) VCF-style: chrX-85219053-CCTGA-C.
Other names: c.-126-4_-126-1del (NM_001362519.1, NM_001362518.2); c.315_318delTCAG (NM_000390.2).
Identifiers: ClinVar variation 279772 (VCV000279772.52), dbSNP rs886041176, ClinGen allele CA10603640.